The following is an entry in ClinVar:

ClinVar aggregate classification (germline): Likely benign (1 of 4 stars; one submission).

Conditions:
LEPR-related disorder. Also called: LEPR-related disorders; LEPR-related condition.

gnomAD v4.1: 10 of 1,612,690 alleles (0.00062%); highest among the groups gnomAD compares: Admixed American, 0.0033%; no homozygotes.

Submission:

PreventionGenetics, part of Exact Sciences
Classification: Likely benign for LEPR-related condition. Last evaluated: 2024-12-18. Review status: criteria provided, single submitter. Criteria: ACMG Guidelines, 2015. Collection method: clinical testing. Allele origin: germline.
Comment: This variant is classified as likely benign based on ACMG/AMP sequence variant interpretation guidelines (Richards et al. 2015 PMID: 25741868, with internal and published modifications).

NM_002303.6(LEPR):c.850-3C>T

Gene: LEPR (leptin receptor; plus strand). Cytogenetic location: 1p31.3.
Variant type: single nucleotide variant.
Coding change: c.850-3C>T on transcript NM_002303.6 (MANE Select); 3 bases into the intron before coding-DNA position 850, C replaced by T.
Molecular consequence: intron variant.
Genome position (GRCh38, 1-based): chr1:65,598,657, C>T. VCF-style: chr1-65598657-C-T. GRCh37 (hg19) VCF-style: chr1-66064340-C-T.
Other names: c.850-3C>T (NM_001003679.3, NM_001003680.3, NM_001198689.2 and 2 more transcripts).
Identifiers: ClinVar variation 4998858 (VCV004998858.1).